The following is an entry in ClinVar:

NM_024417.5(FDXR):c.1150G>A (p.Glu384Lys)

Gene: FDXR (ferredoxin reductase; minus strand). Cytogenetic location: 17q25.1.
Variant type: single nucleotide variant.
Coding change: c.1150G>A on transcript NM_024417.5 (MANE Select); coding-DNA position 1150, G replaced by A.
Protein change: p.Glu384Lys; replaces glutamic acid 384 with lysine.
Molecular consequence: missense variant. On other transcripts: non-coding transcript variant (1).
Genome position (GRCh38, 1-based): chr17:74,863,920, C>T on the plus strand (G>A on the coding strand, the complement: FDXR is on the minus strand). VCF-style: chr17-74863920-C-T. GRCh37 (hg19) VCF-style: chr17-72860042-C-T.
Other names: NC_000017.10:g.72860042C>T; c.1279G>A, p.Glu427Lys (NM_001258012.4); c.1243G>A, p.Glu415Lys (NM_001258013.4); c.1126G>A, p.Glu376Lys (NM_001258014.4); c.1030G>A, p.Glu344Lys (NM_001258015.3); c.994G>A, p.Glu332Lys (NM_001258016.3); c.1168G>A, p.Glu390Lys (NM_004110.6); short protein forms E415K, E390K, E376K, E384K, E332K, E344K, E427K.
Identifiers: ClinVar variation 2456060 (VCV002456060.29), dbSNP rs200240114, ClinGen allele CA8752907.
Genomic context (GRCh38, chr17:74,863,920, plus strand): 5'-CATAATTCAGCACCCAGCCTCCTCACACCCTCTCACCTGGCACATCCATAACCCGGCCCT[C>T]CACATTGGGGATGACCCCAAGCTTGGAGTCAAAGGGCACGCTTGGGTCGACAGGGCGGCT-3'
Protein context (NP_077728.3, residues 374-394): DSKLGVIPNV[Glu384Lys]GRVMDVPGLY

ClinVar aggregate classification (germline): Conflicting classifications of pathogenicity. Review status: criteria provided, conflicting classifications (1 of 4 stars). 3 submissions from 3 submitters: Uncertain significance (1); Likely benign (2). Last evaluated 2025-07-01.

Conditions:
Inborn genetic diseases. Identifiers: MedGen C0950123, MeSH D030342.

Allele frequency attached by ClinVar (database versions not stated): gnomAD 0.00015; TOPMed 0.00017; ExAC 0.00018; gnomAD exomes 0.00028; ESP Exome Variant Server 0.00031.
gnomAD v4.1: 429 of 1,613,794 alleles (0.027%); highest among the groups gnomAD compares: Non-Finnish European, 0.034%; 1 homozygote.

Submissions (5):

CeGaT Center for Human Genetics Tuebingen
Classification: Likely benign. Last evaluated: 2025-07-01. Review status: criteria provided, single submitter. Criteria: CeGaT Center For Human Genetics Tuebingen Variant Classification Criteria Version 2. Collection method: clinical testing. Allele origin: germline. Affected: yes. Observed: 2 variant alleles.
Comment: FDXR: BP4

Ambry Genetics
Classification: Likely benign for Inborn genetic diseases. Last evaluated: 2025-05-13. Review status: criteria provided, single submitter. Criteria: Ambry Variant Classification Scheme 2023. Collection method: clinical testing. Allele origin: germline.

Blueprint Genetics
Classification: Uncertain significance. Last evaluated: 2024-10-16. Review status: criteria provided, single submitter. Criteria: ACMG Guidelines, 2015. Collection method: clinical testing. Allele origin: germline.

Dr. Peter K. Rogan Lab, Western University
No classification provided (evidence only). Condition: Melanoma. Review status: no classification provided. Collection method: in vitro. Allele origin: not applicable. Functional consequence: retained intron. Not counted in ClinVar's aggregate classification.

Dr. Peter K. Rogan Lab, Western University
No classification provided (evidence only). Condition: Colon adenocarcinoma. Review status: no classification provided. Collection method: in vitro. Allele origin: not applicable. Functional consequence: skipped exon, retained intron. Not counted in ClinVar's aggregate classification.